The following is an entry in ClinVar:

ClinVar aggregate classification (germline): Conflicting classifications of pathogenicity. Review status: criteria provided, conflicting classifications (1 of 4 stars). 9 submissions from 9 submitters: Uncertain significance (4); Benign (1); Likely benign (3). 1 of the submissions does not count toward it. Last evaluated 2026-01-21.

Conditions:
AMACR-related disorder. Also called: AMACR-related condition; AMACR-Related Disorders.
Mitochondrial complex I deficiency. Also called: NADH:Q(1) OXIDOREDUCTASE DEFICIENCY. Identifiers: Orphanet 2609, MedGen C1838979, MeSH C537475, MONDO:0100133.
Alpha-methylacyl-CoA racemase deficiency (AMACRD). Also called: AMACR deficiency. Identifiers: Orphanet 79095, MedGen C3280428, MONDO:0013681, OMIM 614307. Disease mechanism: loss of function.
Congenital bile acid synthesis defect 4 (CBAS4). Also called: CHOLESTASIS, INTRAHEPATIC, WITH DEFECTIVE CONVERSION OF TRIHYDROXYCOPROSTANIC ACID TO CHOLIC ACID; TRIHYDROXYCOPROSTANIC ACID IN BILE. Identifiers: Orphanet 79095, MedGen C1858328, MONDO:0008967, OMIM 214950.

Allele frequency attached by ClinVar (database versions not stated): gnomAD 0.00014 and 0.00029; gnomAD exomes 0.00018 and 0.00069; TOPMed 0.00039; ExAC 0.00065; 1000 Genomes Project 30x 0.00172; 1000 Genomes Project 0.00220.
gnomAD v4.1: 382 of 1,614,212 alleles (0.024%); highest among the groups gnomAD compares: East Asian, 0.48%; 5 homozygotes.

Submissions (9):

Labcorp Genetics (formerly Invitae), Labcorp
Classification: Likely benign for Alpha-methylacyl-CoA racemase deficiency. Last evaluated: 2026-01-21. Review status: criteria provided, single submitter. Criteria: Invitae Variant Classification Sherloc (09022015). Collection method: clinical testing. Allele origin: germline.

Mayo Clinic Laboratories, Mayo Clinic
Classification: Uncertain significance. Last evaluated: 2025-08-15. Review status: criteria provided, single submitter. Criteria: ACMG Guidelines, 2015. Collection method: clinical testing. Allele origin: germline. Observed: 1 variant allele.
Comment: BS1

Blueprint Genetics
Classification: Benign. Last evaluated: 2024-11-11. Review status: criteria provided, single submitter. Criteria: ACMG Guidelines, 2015. Collection method: clinical testing. Allele origin: germline.

Fulgent Genetics
Classification: Uncertain significance for Congenital bile acid synthesis defect 4; Alpha-methylacyl-CoA racemase deficiency. Last evaluated: 2018-10-31. Review status: criteria provided, single submitter. Criteria: ACMG Guidelines, 2015. Collection method: clinical testing. Allele origin: unknown.

Eurofins Ntd Llc (ga)
Classification: Likely benign. Last evaluated: 2017-08-23. Review status: criteria provided, single submitter. Criteria: EGL Classification Definitions 2015. Collection method: clinical testing. Allele origin: germline. Observed: 1 variant allele, 1 heterozygote.

Illumina Laboratory Services, Illumina
Classification: Likely benign for Alpha-methylacyl-CoA racemase deficiency. Last evaluated: 2017-04-27. Review status: criteria provided, single submitter. Criteria: ICSL Variant Classification Criteria 13 December 2019. Collection method: clinical testing. Allele origin: germline.
Comment: This variant was observed as part of a predisposition screen in an ostensibly healthy population. A literature search was performed for the gene, cDNA change, and amino acid change (where applicable). Publications were found based on this search. The evidence from the literature, in combination with allele frequency data from public databases where available, was sufficient to determine this variant is unlikely to cause disease. Therefore, this variant is classified as likely benign.

Soonchunhyang University Bucheon Hospital, Soonchunhyang University Medical Center
Classification: Uncertain significance for Mitochondrial complex I deficiency, nuclear type 1. Last evaluated: 2016-03-18. Review status: criteria provided, single submitter. Criteria: ACMG Guidelines, 2015. Collection method: reference population. Allele origin: germline. Observed: 1 variant allele.

Genetic Services Laboratory, University of Chicago
Classification: Uncertain significance. Last evaluated: 2014-06-13. Review status: criteria provided, single submitter. Criteria: ACMG Guidelines, 2015. Collection method: clinical testing. Allele origin: germline.

PreventionGenetics, part of Exact Sciences
Classification: Likely benign for AMACR-related condition. Last evaluated: 2020-01-08. Review status: no assertion criteria provided. Collection method: clinical testing. Allele origin: germline. Not counted in ClinVar's aggregate classification.
Comment: This variant is classified as likely benign based on ACMG/AMP sequence variant interpretation guidelines (Richards et al. 2015 PMID: 25741868, with internal and published modifications).

Literature cited by the submitters: PubMed 20818383 (cited by 3 submitters); PubMed 36641423 (cited by Mayo Clinic Laboratories, Mayo Clinic).

NM_014324.6(AMACR):c.844G>C (p.Glu282Gln)

Genes: AMACR (alpha-methylacyl-CoA racemase; minus strand), C1QTNF3-AMACR (C1QTNF3-AMACR readthrough (NMD candidate); minus strand). Cytogenetic location: 5p13.2.
Variant type: single nucleotide variant.
Coding change: c.844G>C on transcript NM_014324.6 (MANE Select); coding-DNA position 844, G replaced by C.
Protein change: p.Glu282Gln; replaces glutamic acid 282 with glutamine.
Molecular consequence: missense variant. On other transcripts: non-coding transcript variant (1), 3 prime UTR variant (1).
Genome position (GRCh38, 1-based): chr5:33,989,398, C>G on the plus strand (G>C on the coding strand, the complement: AMACR is on the minus strand). VCF-style: chr5-33989398-C-G. GRCh37 (hg19) VCF-style: chr5-33989503-C-G.
Other names: p.Glu282Gln; c.844G>C, p.Glu282Gln (NM_001167595.2); c.*86G>C (NM_203382.3); short protein forms E282Q.
Identifiers: ClinVar variation 210135 (VCV000210135.28), dbSNP rs181341030, ClinGen allele CA208327.